The following is an entry in ClinVar:

NM_178013.4(PRIMA1):c.171T>A (p.Pro57=)

Gene: PRIMA1 (proline rich membrane anchor 1; minus strand). Cytogenetic location: 14q32.12.
Variant type: single nucleotide variant.
Coding change: c.171T>A on transcript NM_178013.4 (MANE Select); coding-DNA position 171, T replaced by A.
Protein change: p.Pro57=; no amino-acid change (proline 57 retained).
Molecular consequence: synonymous variant.
Genome position (GRCh38, 1-based): chr14:93,779,234, A>T on the plus strand (T>A on the coding strand, the complement: PRIMA1 is on the minus strand). VCF-style: chr14-93779234-A-T. GRCh37 (hg19) VCF-style: chr14-94245580-A-T.
Other names: c.171T>A (NM_178013.3).
Identifiers: ClinVar variation 1078822 (VCV001078822.11), dbSNP rs766425104, ClinGen allele CA487789470.

ClinVar aggregate classification (germline): Likely benign. Review status: criteria provided, single submitter (1 of 4 stars). 2 submissions from 2 submitters: Likely benign (1). 1 of the submissions does not count toward it. Last evaluated 2023-06-30.

Conditions:
PRIMA1-related disorder. Also called: PRIMA1-related condition.
Familial sleep-related hypermotor epilepsy. Also called: Autosomal Dominant Sleep-Related Hypermotor (Hyperkinetic) Epilepsy. Identifiers: Orphanet 98784, MedGen C3696898, MONDO:0000030.

Submissions (2):

Labcorp Genetics (formerly Invitae), Labcorp
Classification: Likely benign for Familial sleep-related hypermotor epilepsy. Last evaluated: 2023-06-30. Review status: criteria provided, single submitter. Criteria: Invitae Variant Classification Sherloc (09022015). Collection method: clinical testing. Allele origin: germline.

PreventionGenetics, part of Exact Sciences
Classification: Likely benign for PRIMA1-related condition. Last evaluated: 2019-08-12. Review status: no assertion criteria provided. Collection method: clinical testing. Allele origin: germline. Not counted in ClinVar's aggregate classification.
Comment: This variant is classified as likely benign based on ACMG/AMP sequence variant interpretation guidelines (Richards et al. 2015 PMID: 25741868, with internal and published modifications).